The following is an entry in ClinVar:

NM_001368894.2(PAX6):c.89_101dup (p.Ser35fs)

Gene: PAX6 (paired box 6; minus strand). Cytogenetic location: 11p13.
Variant type: Duplication.
Coding change: c.89_101dup on transcript NM_001368894.2 (MANE Select); coding-DNA positions 89 to 101, 13 bases duplicated (TAGAGCTAGCTCA).
Protein change: p.Ser35fs; shifts the reading frame from serine 35.
Molecular consequence: frameshift variant. On other transcripts: 5 prime UTR variant (12), non-coding transcript variant (2), intron variant (2).
Genome position (GRCh38, 1-based): chr11:31,802,744-31,802,756, TGAGCTAGCTCTA duplicated on the plus strand (TAGAGCTAGCTCA on the coding strand, the reverse complement: PAX6 is on the minus strand). VCF-style (leftmost placement, unchanged base first): chr11-31802743-G-GTGAGCTAGCTCTA. GRCh37 (hg19) VCF-style: chr11-31824291-G-GTGAGCTAGCTCTA.
Other names: c.89_101dup, p.Ser35fs (NM_000280.6, NM_001127612.3, NM_001258462.3 and 30 more transcripts); c.-693_-681dup (NM_001310160.2, NM_001368905.2); c.-362_-350dup (NM_001310161.3, NM_001368900.2, NM_001368903.2 and 2 more transcripts); c.-320_-308dup (NM_001368899.2, NM_001368901.2, NM_001368906.2 and 1 more transcripts); c.-651_-639dup (NM_001368902.2); c.332_344dup, p.Ser116fs (NM_001368910.2); c.92_104dup, p.Ser36fs (NM_001368911.2); c.-267-980_-267-968dup (NM_001368909.2, NM_001368904.2); short protein forms S116fs, S35fs, S36fs.
Identifiers: ClinVar variation 3756759 (VCV003756759.2).

ClinVar aggregate classification (germline): Pathogenic (1 of 4 stars; one submission).

Conditions:
Aniridia 1 (AN1). Identifiers: Orphanet 250923, MedGen C0344542, MONDO:0024507, OMIM 106210.
Irido-corneo-trabecular dysgenesis (ASGD5). Also called: ANTERIOR SEGMENT DYSGENESIS 5. Identifiers: Orphanet 708, MedGen C0344559, MONDO:0011414, OMIM 604229, HP:0000659.

Submission:

Labcorp Genetics (formerly Invitae), Labcorp
Classification: Pathogenic for Aniridia 1; Irido-corneo-trabecular dysgenesis. Last evaluated: 2024-06-10. Review status: criteria provided, single submitter. Criteria: Invitae Variant Classification Sherloc (09022015). Collection method: clinical testing. Allele origin: germline.
Comment: This sequence change creates a premature translational stop signal (p.Ser35Argfs*25) in the PAX6 gene. It is expected to result in an absent or disrupted protein product. Loss-of-function variants in PAX6 are known to be pathogenic (PMID: 12634864). This variant is not present in population databases (gnomAD no frequency). This variant has not been reported in the literature in individuals affected with PAX6-related conditions. For these reasons, this variant has been classified as Pathogenic.

Literature cited by the submitters: PubMed 12634864.